The following is an entry in ClinVar:

ClinVar aggregate classification (germline): Pathogenic/Likely pathogenic. Review status: criteria provided, multiple submitters, no conflicts (2 of 4 stars). 4 submissions from 4 submitters: Pathogenic (2); Likely pathogenic (2). Last evaluated 2024-09-17.

Conditions:
Hereditary cancer-predisposing syndrome. Also called: Hereditary Cancer Syndrome; Neoplastic Syndromes, Hereditary; Tumor predisposition; Hereditary neoplastic syndrome. Identifiers: Orphanet 140162, MedGen C0027672, MeSH D009386, MONDO:0015356.
Familial cancer of breast. Also called: BREAST CANCER, FAMILIAL; Hereditary breast cancer; hereditary breast carcinoma. Identifiers: Orphanet 227535, MedGen C0346153, MONDO:0016419, OMIM 114480. Disease mechanism: loss of function.

Submissions (4):

Ambry Genetics
Classification: Pathogenic for Hereditary cancer-predisposing syndrome. Last evaluated: 2024-09-17. Review status: criteria provided, single submitter. Criteria: Ambry Variant Classification Scheme 2023. Collection method: clinical testing. Allele origin: germline.
Comment: The c.46_68dup23 variant, located in coding exon 1 of the BARD1 gene, results from a duplication of 23 nucleotides (TCCGGGAACGAGCCTCGTTCCGC) at nucleotide positions 46 to 68, causing a translational frameshift with a predicted alternate stop codon (p.A25Gfs*41). This variant is considered to be rare based on population cohorts in the Genome Aggregation Database (gnomAD). This alteration is expected to result in loss of function by premature protein truncation or nonsense-mediated mRNA decay. As such, this alteration is interpreted as a disease-causing mutation.

Myriad Genetics, Inc.
Classification: Pathogenic for Familial cancer of breast. Last evaluated: 2023-05-17. Review status: criteria provided, single submitter. Criteria: Myriad Autosomal Dominant, Autosomal Recessive and X-Linked Classification Criteria (2023). Collection method: clinical testing. Allele origin: unknown.
Comment: This variant is considered pathogenic. This variant creates a frameshift predicted to result in premature protein truncation.

GeneDx
Classification: Likely pathogenic. Last evaluated: 2023-02-15. Review status: criteria provided, single submitter. Criteria: GeneDx Variant Classification Process June 2021. Collection method: clinical testing. Allele origin: germline. Affected: yes.
Comment: Frameshift variant predicted to result in protein truncation or nonsense mediated decay in a gene for which loss-of-function is a known mechanism of disease; Not observed at significant frequency in large population cohorts (gnomAD); Has not been previously published as pathogenic or benign to our knowledge

Baylor Genetics
Classification: Likely pathogenic for Familial cancer of breast. Last evaluated: 2021-11-25. Review status: criteria provided, single submitter. Criteria: ACMG Guidelines, 2015. Collection method: clinical testing. Allele origin: unknown.

NM_000465.4(BARD1):c.46_68dup (p.Ala25fs)

Gene: BARD1 (BRCA1 associated RING domain 1; minus strand). Cytogenetic location: 2q35.
Variant type: Duplication.
Coding change: c.46_68dup on transcript NM_000465.4 (MANE Select); coding-DNA positions 46 to 68, 23 bases duplicated (TCCGGGAACGAGCCTCGTTCCGC).
Protein change: p.Ala25fs; shifts the reading frame from alanine 25.
Molecular consequence: frameshift variant. On other transcripts: non-coding transcript variant (3).
Genome position (GRCh38, 1-based): chr2:214,809,502-214,809,524, GCGGAACGAGGCTCGTTCCCGGA duplicated on the plus strand (TCCGGGAACGAGCCTCGTTCCGC on the coding strand, the reverse complement: BARD1 is on the minus strand); duplicating any 23 consecutive bases within chr2:214,809,502-214,809,529 gives the same sequence; the c. name uses the placement nearest the transcript's 3' end. VCF-style (leftmost placement, unchanged base first): chr2-214809501-C-CGCGGAACGAGGCTCGTTCCCGGA. GRCh37 (hg19) VCF-style: chr2-215674225-C-CGCGGAACGAGGCTCGTTCCCGGA.
Other names: c.46_68dup, p.Ala25fs (NM_001282543.2, NM_001282545.2, NM_001282548.2 and 1 more transcripts); c.46_68dupTCCGGGAACGAGCCTCGTTCCGC (NM_000465.2); c.46_68dup (NM_000465.2); short protein forms A25fs.
Identifiers: ClinVar variation 481394 (VCV000481394.10), dbSNP rs1553628445, ClinGen allele CA658657219.